The following is an entry in ClinVar:

NM_177438.3(DICER1):c.1897C>T (p.His633Tyr)

Gene: DICER1 (dicer 1, ribonuclease III; minus strand). Cytogenetic location: 14q32.13.
Variant type: single nucleotide variant.
Coding change: c.1897C>T on transcript NM_177438.3 (MANE Select); coding-DNA position 1897, C replaced by T.
Protein change: p.His633Tyr; replaces histidine 633 with tyrosine.
Molecular consequence: missense variant.
Genome position (GRCh38, 1-based): chr14:95,115,677, G>A on the plus strand (C>T on the coding strand, the complement: DICER1 is on the minus strand). VCF-style: chr14-95115677-G-A. GRCh37 (hg19) VCF-style: chr14-95582014-G-A.
Other names: c.1897C>T, p.His633Tyr (NM_001195573.1, NM_001271282.3, NM_001291628.2 and 1 more transcripts); short protein forms H633Y.
Identifiers: ClinVar variation 820254 (VCV000820254.13), dbSNP rs1595405764, ClinGen allele CA390883899.

ClinVar aggregate classification (germline): Uncertain significance. Review status: criteria provided, multiple submitters, no conflicts (2 of 4 stars). 3 submissions from 3 submitters: Uncertain significance (3). Last evaluated 2025-12-15.

Conditions:
Hereditary cancer-predisposing syndrome. Also called: Tumor predisposition; Neoplastic Syndromes, Hereditary; Hereditary Cancer Syndrome; Hereditary neoplastic syndrome. Identifiers: Orphanet 140162, MedGen C0027672, MeSH D009386, MONDO:0015356.
DICER1-related tumor predisposition. Also called: DICER1 syndrome; DICER1-related pleuropulmonary blastoma cancer predisposition syndrome. Identifiers: Orphanet 284343, MedGen C3839822, MONDO:0100216.

Allele frequency attached by ClinVar (database versions not stated): gnomAD exomes below 0.00001.

Submissions (3):

Ambry Genetics
Classification: Uncertain significance for Hereditary cancer-predisposing syndrome. Last evaluated: 2025-12-15. Review status: criteria provided, single submitter. Criteria: Ambry Variant Classification Scheme 2023. Collection method: clinical testing. Allele origin: germline.
Comment: The p.H633Y variant (also known as c.1897C>T), located in coding exon 10 of the DICER1 gene, results from a C to T substitution at nucleotide position 1897. The histidine at codon 633 is replaced by tyrosine, an amino acid with similar properties. This amino acid position is highly conserved in available vertebrate species. In addition, this alteration is predicted to be deleterious by in silico analysis. Since supporting evidence is limited at this time, the clinical significance of this alteration remains unclear.

Labcorp Genetics (formerly Invitae), Labcorp
Classification: Uncertain significance for DICER1-related tumor predisposition. Last evaluated: 2025-01-06. Review status: criteria provided, single submitter. Criteria: Invitae Variant Classification Sherloc (09022015). Collection method: clinical testing. Allele origin: germline.
Comment: This sequence change replaces histidine, which is basic and polar, with tyrosine, which is neutral and polar, at codon 633 of the DICER1 protein (p.His633Tyr). This variant is not present in population databases (gnomAD no frequency). This variant has not been reported in the literature in individuals affected with DICER1-related conditions. ClinVar contains an entry for this variant (Variation ID: 820254). Invitae Evidence Modeling of protein sequence and biophysical properties (such as structural, functional, and spatial information, amino acid conservation, physicochemical variation, residue mobility, and thermodynamic stability) indicates that this missense variant is not expected to disrupt DICER1 protein function with a negative predictive value of 95%. In summary, the available evidence is currently insufficient to determine the role of this variant in disease. Therefore, it has been classified as a Variant of Uncertain Significance.

Quest Diagnostics Nichols Institute San Juan Capistrano
Classification: Uncertain significance. Last evaluated: 2024-02-05. Review status: criteria provided, single submitter. Criteria: Quest Diagnostics criteria. Collection method: clinical testing. Allele origin: unknown.
Comment: The DICER1 c.1897C>T (p.His633Tyr) variant has not been reported in individuals with DICER1-related conditions in the published literature. It also has not been reported in large, multi-ethnic general populations (Genome Aggregation Database). Analysis of this variant using bioinformatics tools for the prediction of the effect of amino acid changes on protein structure and function yielded conflicting predictions that this variant is benign or damaging. Based on the available information, we are unable to determine the clinical significance of this variant.